The following is an entry in ClinVar:

NM_001127222.2(CACNA1A):c.4807G>A (p.Val1603Ile)

Gene: CACNA1A (calcium voltage-gated channel subunit alpha1 A; minus strand). Cytogenetic location: 19p13.13.
Variant type: single nucleotide variant.
Coding change: c.4807G>A on transcript NM_001127222.2 (MANE Select); coding-DNA position 4807, G replaced by A.
Protein change: p.Val1603Ile; replaces valine 1603 with isoleucine.
Molecular consequence: missense variant.
Genome position (GRCh38, 1-based): chr19:13,253,050, C>T on the plus strand (G>A on the coding strand, the complement: CACNA1A is on the minus strand). VCF-style: chr19-13253050-C-T. GRCh37 (hg19) VCF-style: chr19-13363864-C-T.
Other names: c.4810G>A (NM_001127221.1); c.4819G>A, p.Val1607Ile (NM_000068.4, NM_023035.3); c.4810G>A, p.Val1604Ile (NM_001127221.2, NM_001174080.2); short protein forms V1604I, V1607I, V1603I.
Identifiers: ClinVar variation 446928 (VCV000446928.7), dbSNP rs943715197, ClinGen allele CA404338184.

ClinVar aggregate classification (germline): Conflicting classifications of pathogenicity. Review status: criteria provided, conflicting classifications (1 of 4 stars). 3 submissions from 3 submitters: Uncertain significance (2); Likely benign (1). Last evaluated 2023-11-17.

Conditions:
Episodic ataxia type 2 (EA2). Also called: ATAXIA, EPISODIC, WITH NYSTAGMUS; ATAXIA, FAMILIAL PAROXYSMAL; CEREBELLAR ATAXIA, PAROXYSMAL, ACETAZOLAMIDE-RESPONSIVE; CEREBELLOPATHY, HEREDITARY PAROXYSMAL; ACETAZOLAMIDE-RESPONSIVE HEREDITARY PAROXYSMAL CEREBELLAR ATAXIA; EPISODIC ATAXIA, NYSTAGMUS-ASSOCIATED. Identifiers: Orphanet 97, MedGen C1720416, MONDO:0007163, OMIM 108500.
Developmental and epileptic encephalopathy, 42 (DEE42A). Also called: Epileptic encephalopathy, early infantile, 42; DEVELOPMENTAL AND EPILEPTIC ENCEPHALOPATHY 42A; EPILEPTIC ENCEPHALOPATHY, EARLY INFANTILE, 42A. Identifiers: MedGen C4310716, MONDO:0014917, OMIM 617106.

Allele frequency attached by ClinVar (database versions not stated): gnomAD exomes below 0.00001 and 0.00001; gnomAD 0.00001; TOPMed 0.00003.
gnomAD v4.1: 9 of 1,613,586 alleles (0.00056%); highest among the groups gnomAD compares: South Asian, 0.0022%; no homozygotes.

Submissions (3):

GeneDx
Classification: Uncertain significance. Last evaluated: 2023-11-17. Review status: criteria provided, single submitter. Criteria: GeneDx Variant Classification Process June 2021. Collection method: clinical testing. Allele origin: germline. Affected: yes.
Comment: Not observed at significant frequency in large population cohorts (gnomAD); In silico analysis supports that this missense variant does not alter protein structure/function; Has not been previously published as pathogenic or benign to our knowledge

Labcorp Genetics (formerly Invitae), Labcorp
Classification: Likely benign for Developmental and epileptic encephalopathy, 42; Episodic ataxia type 2. Last evaluated: 2022-10-05. Review status: criteria provided, single submitter. Criteria: Invitae Variant Classification Sherloc (09022015). Collection method: clinical testing. Allele origin: germline.

Athena Diagnostics
Classification: Uncertain significance. Last evaluated: 2017-04-06. Review status: criteria provided, single submitter. Criteria: Athena Diagnostics Criteria. Collection method: clinical testing. Allele origin: germline.